The following is an entry in ClinVar:

NM_000407.5(GP1BB):c.315del (p.Gly106fs)

Genes: GP1BB (glycoprotein Ib platelet subunit beta; plus strand), SEPT5-GP1BB (SEPT5-GP1BB readthrough; plus strand). Cytogenetic location: 22q11.21.
Variant type: Deletion.
Coding change: c.315del on transcript NM_000407.5 (MANE Select); coding-DNA position 315, one base deleted (C; older notation c.315delC).
Protein change: p.Gly106fs; shifts the reading frame from glycine 106.
Molecular consequence: frameshift variant. On other transcripts: non-coding transcript variant (2).
Genome position (GRCh38, 1-based): chr22:19,724,158, C deleted; the last of 2 consecutive C bases (chr22:19,724,157-19,724,158); deleting either gives the same sequence. VCF-style (leftmost placement, unchanged base first): chr22-19724156-GC-G. GRCh37 (hg19) VCF-style: chr22-19711679-GC-G.
Other names: p.Gly106Alafs*87; c.315del (NM_000407.4); short protein forms G106fs.
Identifiers: ClinVar variation 3380918 (VCV003380918.4).

ClinVar aggregate classification (germline): Pathogenic. Review status: reviewed by expert panel (3 of 4 stars). 3 submissions from 3 submitters: Pathogenic (1). 2 of the submissions do not count toward it. Last evaluated 2025-02-11.

Conditions:
Bernard Soulier syndrome (BSS). Also called: GLYCOPROTEIN Ib, PLATELET, DEFICIENCY OF; PLATELET GLYCOPROTEIN Ib DEFICIENCY; VON WILLEBRAND FACTOR RECEPTOR DEFICIENCY; Giant platelet syndrome; Hemorrhagiparous thrombocytic dystrophy; Giant platelet disease. Identifiers: Orphanet 274, MedGen C0005129, MeSH D001606, MONDO:0009276, OMIM 231200.

Submissions (3):

ClinGen Platelet Disorders Variant Curation Expert Panel, ClinGen
Classification: Pathogenic for Bernard Soulier syndrome. Last evaluated: 2025-02-11. Review status: reviewed by expert panel. Criteria: ClinGen Platelet ACMG Specifications GP1BB V1.0.0. Collection method: curation. Allele origin: germline. Inheritance: Autosomal recessive inheritance.
Comment: The NM_000407.5:c.315del (p.Gly106AlafsTer87) variant in exon 2 of the GP1BB gene is a frameshift variant that may cause loss of function of the protein, however it is predicted to escape nonsense mediated decay and remove 7% of the protein, including the critical transmembrane domain (PVS1_Strong). At least one patient (Proband 1 in PMID:10216092) with this variant had aggregation absent for ristocetin and present for all other agonists and flow cytometry with less than 10% expression of GP9, which is highly specific for Bernard-Soulier syndrome. Additionally, the patient had excessive mucocutaneous bleeding and macrothrombocytopenia which are consistent with Bernard-Soulier syndrome. Direct sequence analysis of the entire coding region of PCR-amplified GPIba, GPIbb, GPIX, and GPV was performed as well as FISH for deletion analysis, for the patient (PP4_Moderate). This variant has been detected in at least 1 proband with Bernard-Soulier syndrome. This individual was compound heterozygous for this variant and the 22q11.2 deletion including GP1BB (PMID: 10216092; PM3). Surface expression of GP1b and GP9 was measured by flow cytometry in 293T cells transiently co-transfected with the c.315del (p.Gly106AlafsTer87) variant GP1bb and wild type GP1ba and GP9, with no detectable GPIX on the cell surface, indicating that this variant impacts protein function (PMID: 10216092)(PS3_supporting). This variant is absent from gnomAD v4.1 (PM2_Supporting). In summary, this variant meets the criteria to be classified as Pathogenic for autosomal recessive Bernard-Soulier syndrome based on the ACMG/AMP criteria applied, as specified by the ClinGen PD VCEP: PVS1_Strong, PP4_Moderate, PM2_supporting, PM3 and PS3_Supporting (VCEP specifications version 1).

GeneDx
Classification: Likely pathogenic. Last evaluated: 2026-10-12. Review status: criteria provided, single submitter. Criteria: GeneDx Variant Classification Process June 2021. Collection method: clinical testing. Allele origin: germline. Not counted in ClinVar's aggregate classification.
Comment: Not observed at significant frequency in large population cohorts (gnomAD); Frameshift variant predicted to result in abnormal protein length as the last 101 amino acid(s) are replaced with 86 different amino acid(s), and other similar variants have been reported in HGMD; Also known as Gly81Alafs; This variant is associated with the following publications: (PMID: 10216092, 24934643)

Mayo Clinic Laboratories, Mayo Clinic
Classification: Pathogenic. Last evaluated: 2024-01-18. Review status: criteria provided, single submitter. Criteria: ACMG Guidelines, 2015. Collection method: clinical testing. Allele origin: germline. Observed: 1 variant allele. Not counted in ClinVar's aggregate classification.
Comment: PM2_moderate, PM3, PS3, PS4_supporting, PVS1_strong

Literature cited by the submitters: PubMed 10216092 (cited by Mayo Clinic Laboratories, Mayo Clinic).